The following is an entry in ClinVar:

ClinVar aggregate classification (germline): Uncertain significance (1 of 4 stars; one submission).

Conditions:
Inborn genetic diseases. Identifiers: MedGen C0950123, MeSH D030342.

Submission:

Ambry Genetics
Classification: Uncertain significance for Inborn genetic diseases. Last evaluated: 2025-06-06. Review status: criteria provided, single submitter. Criteria: Ambry Variant Classification Scheme 2023. Collection method: clinical testing. Allele origin: germline.
Comment: The p.A110T variant (also known as c.328G>A), located in coding exon 2 of the GATA2 gene, results from a G to A substitution at nucleotide position 328. The alanine at codon 110 is replaced by threonine, an amino acid with similar properties. This amino acid position is conserved. In addition, the in silico prediction for this alteration is inconclusive. Based on the available evidence, the clinical significance of this variant remains unclear.

NM_032638.5(GATA2):c.328G>A (p.Ala110Thr)

Gene: GATA2 (GATA binding protein 2; minus strand). Cytogenetic location: 3q21.3.
Variant type: single nucleotide variant.
Coding change: c.328G>A on transcript NM_032638.5 (MANE Select); coding-DNA position 328, G replaced by A.
Protein change: p.Ala110Thr; replaces alanine 110 with threonine.
Molecular consequence: missense variant.
Genome position (GRCh38, 1-based): chr3:128,486,270, C>T on the plus strand (G>A on the coding strand, the complement: GATA2 is on the minus strand). VCF-style: chr3-128486270-C-T. GRCh37 (hg19) VCF-style: chr3-128205113-C-T.
Other names: c.328G>A, p.Ala110Thr (NM_001145661.2, NM_001145662.1); short protein forms A110T.
Identifiers: ClinVar variation 4028517 (VCV004028517.1).